The following is an entry in ClinVar:

NM_006158.5(NEFL):c.503A>G (p.Glu168Gly)

Gene: NEFL (neurofilament light chain; minus strand). Cytogenetic location: 8p21.2.
Variant type: single nucleotide variant.
Coding change: c.503A>G on transcript NM_006158.5 (MANE Select); coding-DNA position 503, A replaced by G.
Protein change: p.Glu168Gly; replaces glutamic acid 168 with glycine.
Molecular consequence: missense variant.
Genome position (GRCh38, 1-based): chr8:24,956,013, T>C on the plus strand (A>G on the coding strand, the complement: NEFL is on the minus strand). VCF-style: chr8-24956013-T-C. GRCh37 (hg19) VCF-style: chr8-24813527-T-C.
Other names: short protein forms E168G.
Identifiers: ClinVar variation 2724075 (VCV002724075.3), dbSNP rs766291112, ClinGen allele CA4681491.
Genomic context (GRCh38, chr8:24,956,013, plus strand): 5'-GCGTCCTCGCGGCTCAGCACCTCCTCTTCATAGCGCGCCTGCAGGTTGCGCAGGGTCTCC[T>C]CCAGCCCTTCGCGCTCGCCCTGGAGCGCCTGCTTCTCGTTGGTGGCATCTTCCGCCGCCA-3'
Protein context (NP_006149.2, residues 158-178): QALQGEREGL[Glu168Gly]ETLRNLQARY

ClinVar aggregate classification (germline): Uncertain significance (1 of 4 stars; one submission).

Conditions:
Charcot-Marie-Tooth disease type 2E (CMT2E). Also called: CHARCOT-MARIE-TOOTH DISEASE, AXONAL, TYPE 2E; CHARCOT-MARIE-TOOTH NEUROPATHY, TYPE 2E. Identifiers: Orphanet 99939, MedGen C1843225, MONDO:0011894, OMIM 607684.

Allele frequency attached by ClinVar (database versions not stated): gnomAD exomes below 0.00001; TOPMed below 0.00001; ExAC 0.00001.

Submission:

Labcorp Genetics (formerly Invitae), Labcorp
Classification: Uncertain significance for Charcot-Marie-Tooth disease type 2E. Last evaluated: 2025-03-17. Review status: criteria provided, single submitter. Criteria: Invitae Variant Classification Sherloc (09022015). Collection method: clinical testing. Allele origin: germline.
Comment: This sequence change replaces glutamic acid, which is acidic and polar, with glycine, which is neutral and non-polar, at codon 168 of the NEFL protein (p.Glu168Gly). The frequency data for this variant in the population databases is considered unreliable, as metrics indicate poor data quality at this position in the gnomAD database. This variant has not been reported in the literature in individuals affected with NEFL-related conditions. ClinVar contains an entry for this variant (Variation ID: 2724075). Invitae Evidence Modeling of protein sequence and biophysical properties (such as structural, functional, and spatial information, amino acid conservation, physicochemical variation, residue mobility, and thermodynamic stability) indicates that this missense variant is not expected to disrupt NEFL protein function with a negative predictive value of 80%. In summary, the available evidence is currently insufficient to determine the role of this variant in disease. Therefore, it has been classified as a Variant of Uncertain Significance.